The following is an entry in ClinVar:

NM_005430.4(WNT1):c.251G>A (p.Gly84Glu)

Gene: WNT1 (Wnt family member 1; plus strand). Cytogenetic location: 12q13.12.
Variant type: single nucleotide variant.
Coding change: c.251G>A on transcript NM_005430.4 (MANE Select); coding-DNA position 251, G replaced by A.
Protein change: p.Gly84Glu; replaces glycine 84 with glutamic acid.
Molecular consequence: missense variant.
Genome position (GRCh38, 1-based): chr12:48,979,614, G>A. VCF-style: chr12-48979614-G-A. GRCh37 (hg19) VCF-style: chr12-49373397-G-A.
Other names: short protein forms G84E.
Identifiers: ClinVar variation 1906905 (VCV001906905.5), dbSNP rs2498946380, ClinGen allele CA384627843.
Genomic context (GRCh38, chr12:48,979,614, plus strand): 5'-TGAGCCGCAAACAGCGGCGTCTGATACGCCAAAATCCGGGGATCCTGCACAGCGTGAGTG[G>A]GGGGCTGCAGAGTGCCGTGCGCGAGTGCAAGTGGCAGTTCCGGAATCGCCGCTGGAACTG-3'
Protein context (NP_005421.1, residues 74-94): QNPGILHSVS[Gly84Glu]GLQSAVRECK

ClinVar aggregate classification (germline): Uncertain significance (1 of 4 stars; one submission).

Submission:

Labcorp Genetics (formerly Invitae), Labcorp
Classification: Uncertain significance. Last evaluated: 2024-03-09. Review status: criteria provided, single submitter. Criteria: Invitae Variant Classification Sherloc (09022015). Collection method: clinical testing. Allele origin: germline.
Comment: This sequence change replaces glycine, which is neutral and non-polar, with glutamic acid, which is acidic and polar, at codon 84 of the WNT1 protein (p.Gly84Glu). This variant is not present in population databases (gnomAD no frequency). This variant has not been reported in the literature in individuals affected with WNT1-related conditions. ClinVar contains an entry for this variant (Variation ID: 1906905). Advanced modeling of protein sequence and biophysical properties (such as structural, functional, and spatial information, amino acid conservation, physicochemical variation, residue mobility, and thermodynamic stability) performed at Invitae indicates that this missense variant is not expected to disrupt WNT1 protein function with a negative predictive value of 80%. In summary, the available evidence is currently insufficient to determine the role of this variant in disease. Therefore, it has been classified as a Variant of Uncertain Significance.